The following is an entry in ClinVar:

ClinVar aggregate classification (germline): Likely pathogenic (1 of 4 stars; one submission).

Conditions:
Cardiovascular phenotype. Identifiers: MedGen CN230736.

gnomAD v4.1: 2 of 1,613,838 alleles (0.00012%); highest among the groups gnomAD compares: South Asian, 0.0011%; no homozygotes.

Submission:

Ambry Genetics
Classification: Likely pathogenic for Cardiovascular phenotype. Last evaluated: 2025-04-04. Review status: criteria provided, single submitter. Criteria: Ambry Variant Classification Scheme 2023. Collection method: clinical testing. Allele origin: germline.
Comment: The p.Q4102* variant (also known as c.12304C>T), located in coding exon 44 of the TTN gene, results from a C to T substitution at nucleotide position 12304. This changes the amino acid from a glutamine to a stop codon within coding exon 44. This exon is located in the I-band region of the N2-B isoform of the titin protein and is constitutively expressed in TTN transcripts (percent spliced in or PSI 100%). This variant is considered to be rare based on population cohorts in the Genome Aggregation Database (gnomAD). This variant is expected to result in loss of function by premature protein truncation or nonsense-mediated mRNA decay. While truncating variants in TTN are present in 1-3% of the general population, truncating variants in the A-band are the most common cause of dilated cardiomyopathy (Herman DS et al. N. Engl. J. Med., 2012 Feb;366:619-28; Roberts AM et al. Sci Transl Med, 2015 Jan;7:270ra6). TTN truncating variants encoded in constitutive exons (PSI >90%) have been found to be significantly associated with DCM regardless of their position in titin (Schafer S et al. Nat. Genet., 2017 01;49:46-53; Akhtar MM et al. Circ Heart Fail, 2020 Oct;13:e006832; Massier M et al. Clin Genet, 2025 Jan). Based on the majority of available evidence to date, this variant is likely to be pathogenic.

NM_001267550.2(TTN):c.13393C>T (p.Gln4465Ter)

Gene: TTN (titin; minus strand). Cytogenetic location: 2q31.2.
Variant type: single nucleotide variant.
Coding change: c.13393C>T on transcript NM_001267550.2 (MANE Select); coding-DNA position 13393, C replaced by T.
Protein change: p.Gln4465Ter; replaces glutamine 4465 with a stop codon.
Molecular consequence: nonsense. On other transcripts: intron variant (1).
Genome position (GRCh38, 1-based): chr2:178,739,840, G>A on the plus strand (C>T on the coding strand, the complement: TTN is on the minus strand). VCF-style: chr2-178739840-G-A. GRCh37 (hg19) VCF-style: chr2-179604567-G-A.
Other names: c.12442C>T, p.Gln4148Ter (NM_001256850.1); c.12304C>T, p.Gln4102Ter (NM_003319.4); c.12679C>T, p.Gln4227Ter (NM_133432.3); c.12880C>T, p.Gln4294Ter (NM_133437.4); c.10361-1480C>T (NM_133378.4); short protein forms Q4148*, Q4227*, Q4294*, Q4102*, Q4465*.
Identifiers: ClinVar variation 3975781 (VCV003975781.1).